The following is an entry in ClinVar:

NM_198075.4(LRRC56):c.625-2A>C

Gene: LRRC56 (leucine rich repeat containing 56; plus strand). Cytogenetic location: 11p15.5.
Variant type: single nucleotide variant.
Coding change: c.625-2A>C on transcript NM_198075.4 (MANE Select); the canonical splice acceptor site of the intron before coding-DNA position 625, A replaced by C.
Molecular consequence: splice acceptor variant.
Genome position (GRCh38, 1-based): chr11:551,129, A>C. VCF-style: chr11-551129-A-C. GRCh37 (hg19) VCF-style: chr11-551129-A-C.
Identifiers: ClinVar variation 3608996 (VCV003608996.3).

ClinVar aggregate classification (germline): Pathogenic/Likely pathogenic. Review status: criteria provided, multiple submitters, no conflicts (2 of 4 stars). 2 submissions from 2 submitters: Pathogenic (1); Likely pathogenic (1). Last evaluated 2026-10-06.

Conditions:
Respiratory ciliopathies including non-CF bronchiectasis.

gnomAD v4.1: 11 of 1,303,666 alleles (0.00084%); highest among the groups gnomAD compares: African/African-American, 0.0015%; no homozygotes.

Submissions (2):

NHS Central & South Genomic Laboratory Hub
Classification: Pathogenic for Respiratory ciliopathies including non-CF bronchiectasis. Last evaluated: 2026-10-06. Review status: criteria provided, single submitter. Criteria: ACMG Guidelines, 2015. Collection method: clinical testing. Allele origin: germline. Affected: yes.

Labcorp Genetics (formerly Invitae), Labcorp
Classification: Likely pathogenic. Last evaluated: 2024-08-05. Review status: criteria provided, single submitter. Criteria: Invitae Variant Classification Sherloc (09022015). Collection method: clinical testing. Allele origin: germline.
Comment: This sequence change affects an acceptor splice site in intron 8 of the LRRC56 gene. It is expected to disrupt RNA splicing. Variants that disrupt the donor or acceptor splice site typically lead to a loss of protein function (PMID: 16199547), and loss-of-function variants in LRRC56 are known to be pathogenic (PMID: 30388400). This variant is present in population databases (no rsID available, gnomAD 0.007%). This variant has not been reported in the literature in individuals affected with LRRC56-related conditions. Algorithms developed to predict the effect of sequence changes on RNA splicing suggest that this variant may disrupt the consensus splice site. In summary, the currently available evidence indicates that the variant is pathogenic, but additional data are needed to prove that conclusively. Therefore, this variant has been classified as Likely Pathogenic.

Literature cited by the submitters: PubMed 16199547 (cited by Labcorp Genetics (formerly Invitae), Labcorp); PubMed 30388400 (cited by Labcorp Genetics (formerly Invitae), Labcorp).